The following is an entry in ClinVar:

NM_016529.6(ATP8A2):c.431A>T (p.Lys144Met)

Gene: ATP8A2 (ATPase phospholipid transporting 8A2). Cytogenetic location: 13q12.13.
Variant type: single nucleotide variant.
Coding change: c.431A>T on transcript NM_016529.6 (MANE Select); coding-DNA position 431, A replaced by T.
Protein change: p.Lys144Met; replaces lysine 144 with methionine.
Molecular consequence: missense variant.
Genome position (GRCh38, 1-based): chr13:25,532,282, A>T. VCF-style: chr13-25532282-A-T. GRCh37 (hg19) VCF-style: chr13-26106420-A-T.
Other names: c.311A>T, p.Lys104Met (NM_001313741.1); short protein forms K104M, K144M.
Identifiers: ClinVar variation 1473198 (VCV001473198.8), dbSNP rs2137928777, ClinGen allele CA387682391.

ClinVar aggregate classification (germline): Uncertain significance (1 of 4 stars; one submission).

Submission:

Labcorp Genetics (formerly Invitae), Labcorp
Classification: Uncertain significance. Last evaluated: 2021-12-02. Review status: criteria provided, single submitter. Criteria: Invitae Variant Classification Sherloc (09022015). Collection method: clinical testing. Allele origin: germline.
Comment: This sequence change replaces lysine, which is basic and polar, with methionine, which is neutral and non-polar, at codon 144 of the ATP8A2 protein (p.Lys144Met). This variant is not present in population databases (gnomAD no frequency). This variant has not been reported in the literature in individuals affected with ATP8A2-related conditions. Algorithms developed to predict the effect of missense changes on protein structure and function are either unavailable or do not agree on the potential impact of this missense change (SIFT: "Deleterious"; PolyPhen-2: "Benign"; Align-GVGD: "Class C15"). In summary, the available evidence is currently insufficient to determine the role of this variant in disease. Therefore, it has been classified as a Variant of Uncertain Significance.